The following is an entry in ClinVar:

NM_001384474.1(LOXHD1):c.6105G>A (p.Trp2035Ter)

Gene: LOXHD1 (lipoxygenase homology PLAT domains 1; minus strand). Cytogenetic location: 18q21.1.
Variant type: single nucleotide variant.
Coding change: c.6105G>A on transcript NM_001384474.1 (MANE Select); coding-DNA position 6105, G replaced by A.
Protein change: p.Trp2035Ter; replaces tryptophan 2035 with a stop codon.
Molecular consequence: nonsense.
Genome position (GRCh38, 1-based): chr18:46,485,096, C>T on the plus strand (G>A on the coding strand, the complement: LOXHD1 is on the minus strand). VCF-style: chr18-46485096-C-T. GRCh37 (hg19) VCF-style: chr18-44065059-C-T.
Other names: c.2772G>A, p.Trp924Ter (NM_001145472.3); c.822G>A, p.Trp274Ter (NM_001145473.3, NM_001173129.2); c.2484G>A, p.Trp828Ter (NM_001308013.2); c.5919G>A, p.Trp1973Ter (NM_144612.7); short protein forms W924*, W1973*, W2035*, W828*, W274*.
Identifiers: ClinVar variation 2820505 (VCV002820505.3), dbSNP rs2511374276, ClinGen allele CA402366367.

ClinVar aggregate classification (germline): Pathogenic (1 of 4 stars; one submission).

Submission:

Labcorp Genetics (formerly Invitae), Labcorp
Classification: Pathogenic. Last evaluated: 2024-02-22. Review status: criteria provided, single submitter. Criteria: Invitae Variant Classification Sherloc (09022015). Collection method: clinical testing. Allele origin: germline.
Comment: This sequence change creates a premature translational stop signal (p.Trp1973*) in the LOXHD1 gene. It is expected to result in an absent or disrupted protein product. Loss-of-function variants in LOXHD1 are known to be pathogenic (PMID: 19732867, 21465660, 25792669). This variant is not present in population databases (gnomAD no frequency). This variant has not been reported in the literature in individuals affected with LOXHD1-related conditions. For these reasons, this variant has been classified as Pathogenic.

Literature cited by the submitters: PubMed 19732867; PubMed 21465660; PubMed 25792669.